The following is an entry in ClinVar:

ClinVar aggregate classification (germline): Likely pathogenic. Review status: criteria provided, multiple submitters, no conflicts (2 of 4 stars). 5 submissions from 5 submitters: Likely pathogenic (3). 2 of the submissions do not count toward it. Last evaluated 2025-06-20.

Conditions:
Retinal dystrophy. Also called: Inherited retinal dystrophy. Identifiers: Orphanet 71862, MedGen C0854723, MeSH D058499, MONDO:0019118, HP:0000556.
Mucopolysaccharidosis, MPS-III-C (MPS3C). Also called: MPS IIIC (Sanfilippo Syndrome Type C); MPS III C; MUCOPOLYSACCHARIDOSIS, TYPE IIIC; SANFILIPPO SYNDROME C; Mucopolysaccharidosis type IIIC (Sanfilippo C); mucopolysaccharidosis type 3C. Identifiers: Orphanet 581, Orphanet 79271, MedGen C0086649, MONDO:0009657, OMIM 252930.
Retinitis pigmentosa 73 (RP73). Identifiers: Orphanet 791, MedGen C4225287, MONDO:0014687, OMIM 616544.

Allele frequency attached by ClinVar (database versions not stated): gnomAD exomes below 0.00001.
gnomAD v4.1: 1 of 1,612,708 alleles (0.000062%); highest among the groups gnomAD compares: Non-Finnish European, 0.000085%; no homozygotes.

Submissions (5):

Natera, Inc.
Classification: Likely pathogenic for Mucopolysaccharidosis type IIIC. Last evaluated: 2025-06-20. Review status: criteria provided, single submitter. Criteria: Natera Variant Classification Schema (03/2026). Collection method: clinical testing. Allele origin: germline.
Comment: The c.1614-2A>T variant in HGSNAT is a canonical splice acceptor site variant predicted to affect pre-mRNA splicing, which may result in an abnormal transcript and altered protein product. This variant is expected to result in nonsense mediated decay, truncation, or a dysfunctional protein product. This variant is rare in the general population with a frequency below the threshold expected for the associated phenotype(s). Given the available evidence, this variant is classified as Likely Pathogenic.

Revvity Omics, Revvity
Classification: Likely pathogenic. Last evaluated: 2023-06-19. Review status: criteria provided, single submitter. Criteria: ACMG Guidelines, 2015. Collection method: clinical testing. Allele origin: germline.

Labcorp Genetics (formerly Invitae), Labcorp
Classification: Likely pathogenic for Retinitis pigmentosa 73; Mucopolysaccharidosis, MPS-III-C. Last evaluated: 2022-08-11. Review status: criteria provided, single submitter. Criteria: Invitae Variant Classification Sherloc (09022015). Collection method: clinical testing. Allele origin: germline.
Comment: This sequence change affects an acceptor splice site in intron 16 of the HGSNAT gene. It is expected to disrupt RNA splicing. Variants that disrupt the donor or acceptor splice site typically lead to a loss of protein function (PMID: 16199547), and loss-of-function variants in HGSNAT are known to be pathogenic (PMID: 17033958, 19479962). This variant is not present in population databases (gnomAD no frequency). In summary, the currently available evidence indicates that the variant is pathogenic, but additional data are needed to prove that conclusively. Therefore, this variant has been classified as Likely Pathogenic. Algorithms developed to predict the effect of sequence changes on RNA splicing suggest that this variant may disrupt the consensus splice site. ClinVar contains an entry for this variant (Variation ID: 556780). This variant has not been reported in the literature in individuals affected with HGSNAT-related conditions.

Institute of Human Genetics, Univ. Regensburg, Univ. Regensburg
Classification: Uncertain significance for Retinal dystrophy. Last evaluated: 2021-01-01. Review status: no assertion criteria provided. Criteria: ACMG Guidelines, 2015. Collection method: clinical testing. Allele origin: germline. Affected: yes. Not counted in ClinVar's aggregate classification.

Counsyl
Classification: Likely pathogenic for Mucopolysaccharidosis, MPS-III-C. Last evaluated: 2018-02-20. Review status: no assertion criteria provided. Collection method: clinical testing. Allele origin: unknown. Not counted in ClinVar's aggregate classification.

Literature cited by the submitters: PubMed 16199547 (cited by Labcorp Genetics (formerly Invitae), Labcorp); PubMed 17033958 (cited by Labcorp Genetics (formerly Invitae), Labcorp); PubMed 19479962 (cited by Labcorp Genetics (formerly Invitae), Labcorp).

NM_152419.3(HGSNAT):c.1614-2A>T

Gene: HGSNAT (heparan-alpha-glucosaminide N-acetyltransferase; plus strand). Cytogenetic location: 8p11.21.
Variant type: single nucleotide variant.
Coding change: c.1614-2A>T on transcript NM_152419.3 (MANE Select); the canonical splice acceptor site of the intron before coding-DNA position 1614, A replaced by T.
Molecular consequence: splice acceptor variant.
Genome position (GRCh38, 1-based): chr8:43,197,838, A>T. VCF-style: chr8-43197838-A-T. GRCh37 (hg19) VCF-style: chr8-43052981-A-T.
Other names: c.1701-2A>T (NM_001363227.2); c.750-2A>T (NM_001363229.2); c.1422-2A>T (NM_001363228.2).
Identifiers: ClinVar variation 556780 (VCV000556780.14), dbSNP rs1554537807, ClinGen allele CA371120599.
Genomic context (GRCh38, chr8:43,197,838, plus strand): 5'-GTTCATGCTGAAATTGGATTTGTTCCGTACGAGCACTGAAACGTCTCCTCCACCCCTCCC[A>T]GGTCCCTTTCGTATGTCACTACGCTCAGTTCTTTTGCCTTCTTCATCCTGCTGGTCCTGT-3'